The following is an entry in ClinVar:

NM_003079.5(SMARCE1):c.372dup (p.Glu125fs)

Gene: SMARCE1 (SWI/SNF related BAF chromatin remodeling complex subunit E1; minus strand). Cytogenetic location: 17q21.2.
Variant type: Duplication.
Coding change: c.372dup on transcript NM_003079.5 (MANE Select); coding-DNA position 372, one base duplicated (A; older notation c.372dupA).
Protein change: p.Glu125fs; shifts the reading frame from glutamic acid 125.
Molecular consequence: frameshift variant.
Genome position (GRCh38, 1-based): chr17:40,636,100, T duplicated on the plus strand (A on the coding strand, the reverse complement: SMARCE1 is on the minus strand). VCF-style (leftmost placement, unchanged base first): chr17-40636099-C-CT. GRCh37 (hg19) VCF-style: chr17-38792351-C-CT.
Other names: c.372dupA (NM_003079.4); short protein forms E125fs.
Identifiers: ClinVar variation 3648631 (VCV003648631.3).

ClinVar aggregate classification (germline): Pathogenic. Review status: criteria provided, multiple submitters, no conflicts (2 of 4 stars). 2 submissions from 2 submitters: Pathogenic (2). Last evaluated 2026-06-29.

Conditions:
Familial meningioma. Also called: Meningioma, familial, susceptibility to. Identifiers: Orphanet 263662, MedGen C3551915, MONDO:0011789, OMIM 607174.
Hereditary cancer-predisposing syndrome. Also called: Tumor predisposition; Hereditary neoplastic syndrome; Hereditary Cancer Syndrome; Neoplastic Syndromes, Hereditary. Identifiers: Orphanet 140162, MedGen C0027672, MeSH D009386, MONDO:0015356.

Submissions (2):

Ambry Genetics
Classification: Pathogenic for Hereditary cancer-predisposing syndrome. Last evaluated: 2026-06-29. Review status: criteria provided, single submitter. Criteria: Ambry Variant Classification Scheme 2023. Collection method: clinical testing. Allele origin: germline.
Comment: The c.372dupA pathogenic mutation, located in coding exon 6 of the SMARCE1 gene, results from a duplication of A at nucleotide position 372, causing a translational frameshift with a predicted alternate stop codon (p.E125Rfs*4). This variant is considered to be rare based on population cohorts in the Genome Aggregation Database (gnomAD). This alteration is expected to result in loss of function by premature protein truncation or nonsense-mediated mRNA decay. Loss-of-function variants in SMARCE1 are known to cause increased risk of meningiomas; however, such associations with neurodevelopmental disorders are exceedingly rare (Kosho T et al. Am J Med Genet C Semin Med Genet. 2014 Sep;166C(3):262-75; Smith JM et al. Nat Genet. 2013 Mar;45(3):295-8). Based on the supporting evidence, this variant is pathogenic for an increased risk of meningiomas; however, the association of this variant with Coffin-Siris syndrome is unlikely.

Labcorp Genetics (formerly Invitae), Labcorp
Classification: Pathogenic for Familial meningioma. Last evaluated: 2024-04-03. Review status: criteria provided, single submitter. Criteria: Invitae Variant Classification Sherloc (09022015). Collection method: clinical testing. Allele origin: germline.
Comment: This sequence change creates a premature translational stop signal (p.Glu125Argfs*4) in the SMARCE1 gene. It is expected to result in an absent or disrupted protein product. Loss-of-function variants in SMARCE1 are known to be pathogenic (PMID: 23377182). This variant is not present in population databases (gnomAD no frequency). This variant has not been reported in the literature in individuals affected with SMARCE1-related conditions. For these reasons, this variant has been classified as Pathogenic.

Literature cited by the submitters: PubMed 23377182 (cited by Labcorp Genetics (formerly Invitae), Labcorp).